The following is an entry in ClinVar:

ClinVar aggregate classification (germline): Likely benign (1 of 4 stars; one submission).

Allele frequency attached by ClinVar (database versions not stated): ExAC 0.00006; gnomAD exomes 0.00009; gnomAD 0.00012; TOPMed 0.00012; ESP Exome Variant Server 0.00025.
gnomAD v4.1: 157 of 1,612,724 alleles (0.0097%); highest among the groups gnomAD compares: Admixed American, 0.022%; no homozygotes.

Submission:

CeGaT Center for Human Genetics Tuebingen
Classification: Likely benign. Last evaluated: 2022-10-01. Review status: criteria provided, single submitter. Criteria: CeGaT Center For Human Genetics Tuebingen Variant Classification Criteria Version 2. Collection method: clinical testing. Allele origin: germline. Affected: yes. Observed: 1 variant allele.
Comment: TRPC7: BP4, BP7

NM_020389.3(TRPC7):c.1971C>T (p.Asn657=)

Genes: TRPC7 (transient receptor potential cation channel subfamily C member 7; minus strand), TRPC7-AS2 (TRPC7 antisense RNA 2; plus strand). Cytogenetic location: 5q31.1.
Variant type: single nucleotide variant.
Coding change: c.1971C>T on transcript NM_020389.3 (MANE Select); coding-DNA position 1971, C replaced by T.
Protein change: p.Asn657=; no amino-acid change (asparagine 657 retained).
Molecular consequence: synonymous variant.
Genome position (GRCh38, 1-based): chr5:136,231,423, G>A on the plus strand (C>T on the coding strand, the complement: TRPC7 is on the minus strand). VCF-style: chr5-136231423-G-A. GRCh37 (hg19) VCF-style: chr5-135567111-G-A.
Other names: c.1623C>T, p.Asn541= (NM_001167576.2); c.1788C>T, p.Asn596= (NM_001167577.2); c.1806C>T, p.Asn602= (NM_001376901.1).
Identifiers: ClinVar variation 2655712 (VCV002655712.24), dbSNP rs376972495, ClinGen allele CA3421157.